The following is an entry in ClinVar:

ClinVar aggregate classification (germline): Conflicting classifications of pathogenicity. Review status: criteria provided, conflicting classifications (1 of 4 stars). 3 submissions from 3 submitters: Likely pathogenic (1); Uncertain significance (1). 1 of the submissions does not count toward it. Last evaluated 2024-01-21.

Conditions:
Neurodevelopmental disorder. Identifiers: MedGen C1535926, MeSH D065886, MONDO:0700092.
BAP1-related tumor predisposition syndrome (TPDS1). Also called: BAP1 tumor predisposition syndrome; COMMON Syndrome; TUMOR PREDISPOSITION SYNDROME 1; Tumor susceptibility linked to germline BAP1 mutations. Identifiers: Orphanet 289539, MedGen C3280492, MONDO:0013692, OMIM 614327.

Submissions (3):

Labcorp Genetics (formerly Invitae), Labcorp
Classification: Uncertain significance for BAP1-related tumor predisposition syndrome. Last evaluated: 2024-01-21. Review status: criteria provided, single submitter. Criteria: Invitae Variant Classification Sherloc (09022015). Collection method: clinical testing. Allele origin: germline.
Comment: This sequence change replaces glutamic acid, which is acidic and polar, with lysine, which is basic and polar, at codon 31 of the BAP1 protein (p.Glu31Lys). This variant is not present in population databases (gnomAD no frequency). This variant has not been reported in the literature in individuals affected with BAP1-related conditions. ClinVar contains an entry for this variant (Variation ID: 1173078). Advanced modeling of protein sequence and biophysical properties (such as structural, functional, and spatial information, amino acid conservation, physicochemical variation, residue mobility, and thermodynamic stability) performed at Invitae indicates that this missense variant is expected to disrupt BAP1 protein function with a positive predictive value of 80%. In summary, the available evidence is currently insufficient to determine the role of this variant in disease. Therefore, it has been classified as a Variant of Uncertain Significance.

GeneDx
Classification: Likely pathogenic. Last evaluated: 2022-04-30. Review status: criteria provided, single submitter. Criteria: GeneDx Variant Classification Process June 2021. Collection method: clinical testing. Allele origin: germline. Affected: yes.
Comment: In silico analysis supports that this missense variant has a deleterious effect on protein structure/function; Not observed at significant frequency in large population cohorts (gnomAD); This variant is associated with the following publications: (PMID: 28213671, 35051358)

Laboratory of Molecular Genetics (Pr. Bezieau's lab), CHU de Nantes
Classification: Pathogenic for Neurodevelopmental disorder. Last evaluated: 2021-06-22. Review status: no assertion criteria provided. Collection method: research. Allele origin: de novo. Affected: yes. Not counted in ClinVar's aggregate classification.

NM_004656.4(BAP1):c.91G>A (p.Glu31Lys)

Gene: BAP1 (BRCA1 associated deubiquitinase 1; minus strand). Cytogenetic location: 3p21.1.
Variant type: single nucleotide variant.
Coding change: c.91G>A on transcript NM_004656.4 (MANE Select); coding-DNA position 91, G replaced by A.
Protein change: p.Glu31Lys; replaces glutamic acid 31 with lysine.
Molecular consequence: missense variant.
Genome position (GRCh38, 1-based): chr3:52,409,585, C>T on the plus strand (G>A on the coding strand, the complement: BAP1 is on the minus strand). VCF-style: chr3-52409585-C-T. GRCh37 (hg19) VCF-style: chr3-52443601-C-T.
Other names: short protein forms E31K.
Identifiers: ClinVar variation 1173078 (VCV001173078.8), dbSNP rs2153228535, ClinGen allele CA353114656.